The following is an entry in ClinVar:

NM_000141.5(FGFR2):c.418G>A (p.Ala140Thr)

Gene: FGFR2 (fibroblast growth factor receptor 2; minus strand). Cytogenetic location: 10q26.13.
Variant type: single nucleotide variant.
Coding change: c.418G>A on transcript NM_000141.5 (MANE Select); coding-DNA position 418, G replaced by A.
Protein change: p.Ala140Thr; replaces alanine 140 with threonine.
Molecular consequence: missense variant. On other transcripts: intron variant (2).
Genome position (GRCh38, 1-based): chr10:121,564,538, C>T on the plus strand (G>A on the coding strand, the complement: FGFR2 is on the minus strand). VCF-style: chr10-121564538-C-T. GRCh37 (hg19) VCF-style: chr10-123324052-C-T.
Other names: c.418G>A, p.Ala140Thr (NM_001144917.2, NM_001320658.2, NM_022970.4 and 2 more transcripts); c.151G>A, p.Ala51Thr (NM_001144919.2, NM_023029.3, NM_001144915.2); c.110-13079G>A (NM_001144918.2, NM_001144916.2); short protein forms A140T, A51T.
Identifiers: ClinVar variation 806578 (VCV000806578.46), dbSNP rs762636391, ClinGen allele CA5721144.

ClinVar aggregate classification (germline): Uncertain significance. Review status: criteria provided, multiple submitters, no conflicts (2 of 4 stars). 2 submissions from 2 submitters: Uncertain significance (2). Last evaluated 2025-08-27.

Conditions:
FGFR2-related craniosynostosis. Identifiers: MedGen CN231480.

Allele frequency attached by ClinVar (database versions not stated): ExAC 0.00001; gnomAD exomes 0.00001 and 0.00002; TOPMed 0.00001; gnomAD 0.00003.

Submissions (2):

Labcorp Genetics (formerly Invitae), Labcorp
Classification: Uncertain significance for FGFR2-related craniosynostosis. Last evaluated: 2025-08-27. Review status: criteria provided, single submitter. Criteria: Invitae Variant Classification Sherloc (09022015). Collection method: clinical testing. Allele origin: germline.
Comment: This sequence change replaces alanine, which is neutral and non-polar, with threonine, which is neutral and polar, at codon 140 of the FGFR2 protein (p.Ala140Thr). This variant is present in population databases (rs762636391, gnomAD 0.01%). This variant has not been reported in the literature in individuals affected with FGFR2-related conditions. ClinVar contains an entry for this variant (Variation ID: 806578). Invitae Evidence Modeling of protein sequence and biophysical properties (such as structural, functional, and spatial information, amino acid conservation, physicochemical variation, residue mobility, and thermodynamic stability) indicates that this missense variant is not expected to disrupt FGFR2 protein function with a negative predictive value of 80%. In summary, the available evidence is currently insufficient to determine the role of this variant in disease. Therefore, it has been classified as a Variant of Uncertain Significance.

CeGaT Center for Human Genetics Tuebingen
Classification: Uncertain significance. Last evaluated: 2018-08-01. Review status: criteria provided, single submitter. Criteria: CeGaT Center For Human Genetics Tuebingen Variant Classification Criteria Version 2. Collection method: clinical testing. Allele origin: germline. Affected: yes. Observed: 1 variant allele.